The following is an entry in ClinVar:

ClinVar aggregate classification (germline): Conflicting classifications of pathogenicity. Review status: criteria provided, conflicting classifications (1 of 4 stars). 2 submissions from 2 submitters: Uncertain significance (1); Likely benign (1). Last evaluated 2024-12-05.

Conditions:
Hereditary cancer-predisposing syndrome. Also called: Hereditary Cancer Syndrome; Hereditary neoplastic syndrome; Neoplastic Syndromes, Hereditary; Tumor predisposition. Identifiers: Orphanet 140162, MedGen C0027672, MeSH D009386, MONDO:0015356.

Submissions (2):

Ambry Genetics
Classification: Likely benign for Hereditary cancer-predisposing syndrome. Last evaluated: 2024-12-05. Review status: criteria provided, single submitter. Criteria: Ambry Variant Classification Scheme 2023. Collection method: clinical testing. Allele origin: germline.

Labcorp Genetics (formerly Invitae), Labcorp
Classification: Uncertain significance. Last evaluated: 2024-07-17. Review status: criteria provided, single submitter. Criteria: Invitae Variant Classification Sherloc (09022015). Collection method: clinical testing. Allele origin: germline.
Comment: This sequence change replaces alanine, which is neutral and non-polar, with valine, which is neutral and non-polar, at codon 1690 of the POLE protein (p.Ala1690Val). This variant is not present in population databases (gnomAD no frequency). This variant has not been reported in the literature in individuals affected with POLE-related conditions. ClinVar contains an entry for this variant (Variation ID: 1063695). Advanced modeling of protein sequence and biophysical properties (such as structural, functional, and spatial information, amino acid conservation, physicochemical variation, residue mobility, and thermodynamic stability) performed at Invitae indicates that this missense variant is not expected to disrupt POLE protein function with a negative predictive value of 80%. In summary, the available evidence is currently insufficient to determine the role of this variant in disease. Therefore, it has been classified as a Variant of Uncertain Significance.

NM_006231.4(POLE):c.5069C>T (p.Ala1690Val)

Gene: POLE (DNA polymerase epsilon, catalytic subunit; minus strand). Cytogenetic location: 12q24.33.
Variant type: single nucleotide variant.
Coding change: c.5069C>T on transcript NM_006231.4 (MANE Select); coding-DNA position 5069, C replaced by T.
Protein change: p.Ala1690Val; replaces alanine 1690 with valine.
Molecular consequence: missense variant.
Genome position (GRCh38, 1-based): chr12:132,642,281, G>A on the plus strand (C>T on the coding strand, the complement: POLE is on the minus strand). VCF-style: chr12-132642281-G-A. GRCh37 (hg19) VCF-style: chr12-133218867-G-A.
Other names: short protein forms A1690V.
Identifiers: ClinVar variation 1063695 (VCV001063695.12), dbSNP rs2138530347, ClinGen allele CA387377039.